The following is an entry in ClinVar:

NM_014611.3(MDN1):c.2358G>C (p.Gly786=)

Gene: MDN1 (midasin AAA ATPase 1; minus strand). Cytogenetic location: 6q15.
Variant type: single nucleotide variant.
Coding change: c.2358G>C on transcript NM_014611.3 (MANE Select); coding-DNA position 2358, G replaced by C.
Protein change: p.Gly786=; no amino-acid change (glycine 786 retained).
Molecular consequence: synonymous variant.
Genome position (GRCh38, 1-based): chr6:89,761,747, C>G on the plus strand (G>C on the coding strand, the complement: MDN1 is on the minus strand). VCF-style: chr6-89761747-C-G. GRCh37 (hg19) VCF-style: chr6-90471466-C-G.
Identifiers: ClinVar variation 3034889 (VCV003034889.2), dbSNP rs137875343, ClinGen allele CA3925669.

ClinVar aggregate classification (germline): Likely benign (0 of 4 stars; one submission).

Conditions:
MDN1-related disorder. Also called: MDN1-related condition.

Allele frequency attached by ClinVar (database versions not stated): 1000 Genomes Project 0.00040; 1000 Genomes Project 30x 0.00047.
gnomAD v4.1: 194 of 1,593,812 alleles (0.012%); highest among the groups gnomAD compares: Middle Eastern, 0.13%; no homozygotes.

Submission:

PreventionGenetics, part of Exact Sciences
Classification: Likely benign for MDN1-related condition. Last evaluated: 2019-03-29. Review status: no assertion criteria provided. Collection method: clinical testing. Allele origin: germline.
Comment: This variant is classified as likely benign based on ACMG/AMP sequence variant interpretation guidelines (Richards et al. 2015 PMID: 25741868, with internal and published modifications).